The following is an entry in ClinVar:

ClinVar aggregate classification (germline): Uncertain significance (1 of 4 stars; one submission).

gnomAD v4.1: 5 of 1,609,598 alleles (0.00031%); highest among the groups gnomAD compares: African/African-American, 0.0054%; no homozygotes.

Submission:

GeneDx
Classification: Uncertain significance. Last evaluated: 2025-06-23. Review status: criteria provided, single submitter. Criteria: GeneDx Variant Classification Process June 2021. Collection method: clinical testing. Allele origin: germline. Affected: yes.
Comment: Not observed at significant frequency in large population cohorts (gnomAD); In silico analysis supports that this missense variant has a deleterious effect on protein structure/function; Has not been previously published as pathogenic or benign to our knowledge

NM_005529.7(HSPG2):c.8009T>C (p.Leu2670Pro)

Gene: HSPG2 (heparan sulfate proteoglycan 2; minus strand). Cytogenetic location: 1p36.12.
Variant type: single nucleotide variant.
Coding change: c.8009T>C on transcript NM_005529.7 (MANE Select); coding-DNA position 8009, T replaced by C.
Protein change: p.Leu2670Pro; replaces leucine 2670 with proline.
Molecular consequence: missense variant.
Genome position (GRCh38, 1-based): chr1:21,847,705, A>G on the plus strand (T>C on the coding strand, the complement: HSPG2 is on the minus strand). VCF-style: chr1-21847705-A-G. GRCh37 (hg19) VCF-style: chr1-22174198-A-G.
Other names: c.8012T>C, p.Leu2671Pro (NM_001291860.2); short protein forms L2670P, L2671P.
Identifiers: ClinVar variation 4540012 (VCV004540012.1).
Genomic context (GRCh38, chr1:21,847,705, plus strand): 5'-GGAGACCATGGTTCCACCCCCGCTGCTGTGGCTCCACTCTGTACCTGGTGTCGGGAGGGA[A>G]GGCTGCCCCCACGCTTGTACCATGTGATGATAGCCTGGGGCTGCCTGGCGACCACGCAGT-3'
Protein context (NP_005520.4, residues 2660-2680): IITWYKRGGS[Leu2670Pro]PSRHQTHGSH